The following is an entry in ClinVar:

ClinVar aggregate classification (germline): Pathogenic/Likely pathogenic. Review status: criteria provided, multiple submitters, no conflicts (2 of 4 stars). 10 submissions from 10 submitters: Pathogenic (7); Likely pathogenic (2). 1 of the submissions does not count toward it. Last evaluated 2025-01-01.

Conditions:
Tubulinopathy. Also called: Tubulinopathies. Identifiers: MedGen CN850169, MONDO:0100153.
Inborn genetic diseases. Identifiers: MedGen C0950123, MeSH D030342.
TUBA1A-related disorder. Also called: TUBA1A-related condition.
Lissencephaly due to TUBA1A mutation (CDCBM16). Also called: CORTICAL DYSPLASIA, COMPLEX, WITH OTHER BRAIN MALFORMATIONS 16; Lissencephaly 3. Identifiers: Orphanet 171680, MedGen C4305153, MONDO:0012703, OMIM 611603.

Submissions (10):

Center of Human Genetics, Hôpital Erasme
Classification: Pathogenic for Lissencephaly due to TUBA1A mutation. Last evaluated: 2025-01-01. Review status: criteria provided, single submitter. Criteria: ACMG Guidelines, 2015. Collection method: clinical testing. Allele origin: de novo. Affected: yes.

Labcorp Genetics (formerly Invitae), Labcorp
Classification: Pathogenic. Last evaluated: 2024-10-23. Review status: criteria provided, single submitter. Criteria: Invitae Variant Classification Sherloc (09022015). Collection method: clinical testing. Allele origin: germline.
Comment: This sequence change replaces arginine, which is basic and polar, with cysteine, which is neutral and slightly polar, at codon 422 of the TUBA1A protein (p.Arg422Cys). This variant is not present in population databases (gnomAD no frequency). This missense change has been observed in individual(s) with cortical malformations (PMID: 18728072). In at least one individual the variant was observed to be de novo. ClinVar contains an entry for this variant (Variation ID: 7076). Invitae Evidence Modeling of protein sequence and biophysical properties (such as structural, functional, and spatial information, amino acid conservation, physicochemical variation, residue mobility, and thermodynamic stability) indicates that this missense variant is expected to disrupt TUBA1A protein function with a positive predictive value of 80%. This variant disrupts the p.Arg422 amino acid residue in TUBA1A. Other variant(s) that disrupt this residue have been determined to be pathogenic (PMID: 18728072, 20466733, 26350204, 29671837). This suggests that this residue is clinically significant, and that variants that disrupt this residue are likely to be disease-causing. For these reasons, this variant has been classified as Pathogenic.

Department of Genetics, Rouen University Hospital, Normandy Center for Genomic and Personalized Medicine
Classification: Pathogenic for Lissencephaly due to TUBA1A mutation. Last evaluated: 2024-02-21. Review status: criteria provided, single submitter. Criteria: ACMG Guidelines, 2015. Collection method: clinical testing. Allele origin: unknown. Affected: yes.

GeneDx
Classification: Pathogenic. Last evaluated: 2023-12-19. Review status: criteria provided, single submitter. Criteria: GeneDx Variant Classification Process June 2021. Collection method: clinical testing. Allele origin: germline. Affected: yes.
Comment: Not observed at significant frequency in large population cohorts (gnomAD); In silico analysis supports that this missense variant has a deleterious effect on protein structure/function; This variant is associated with the following publications: (PMID: 20466733, 18728072, 20376468, 22264709, 28412269, 24860126, 30744660, 33064843, 36028527, 24077912, 27535533)

Blueprint Genetics
Classification: Likely pathogenic for TUBA1A-related disorders. Last evaluated: 2021-06-10. Review status: criteria provided, single submitter. Criteria: ACMG Guidelines, 2015. Collection method: clinical testing. Allele origin: germline. Affected: yes. Observed: 1 variant allele.

Institute of Human Genetics, FAU Erlangen, Friedrich-Alexander-Universität Erlangen-Nürnberg
Classification: Pathogenic for Tubulinopathies. Last evaluated: 2018-07-01. Review status: criteria provided, single submitter. Criteria: ACMG Guidelines, 2015. Collection method: literature only. Allele origin: de novo. Affected: yes. Observed: 1 variant allele.
Comment: The c.1264C>T, p.(Arg422Cys) variant has been reported as a variant of de novo origin. This variant and associated phenotype was previously reported by Bahi-Buisson et al. J Med Genet, 2008 PMID: 18728072. HPO-standardized clinical features were: Hypoplasia of the corpus callosum (HP:0002079); Pachygyria (HP:0001302); Cerebellar vermis hypoplasia (HP:0001320); Microcephaly (HP:0000252); Spasticity (HP:0001257); no Seizures (-HP:0001250)

Ambry Genetics
Classification: Pathogenic for Inborn genetic diseases. Last evaluated: 2016-12-04. Review status: criteria provided, single submitter. Criteria: Ambry exome assertion method (8-5-2015). Collection method: clinical testing. Allele origin: germline. Affected: yes. Observed: 1 variant allele.

Institute for Genomic Statistics and Bioinformatics, University Hospital Bonn
Classification: Pathogenic for Lissencephaly due to TUBA1A mutation. Review status: criteria provided, single submitter. Criteria: ACMG Guidelines, 2015. Collection method: clinical testing. Allele origin: de novo. Inheritance: Autosomal dominant inheritance. Affected: yes. Observed: 1 variant allele, 1 heterozygote.
Comment: Classification according to ACMG guidelines of c.1264C>T:p.(Arg422Cys) in TUBA1A: pathogenic. - PS2: new mutation (further independent validation is pending). - PM1: the variant is located in a mutation hotspot and/or a critical and well established functional domain - PM2: The variant has not been identified in any population genetic studies (such as GnomAD, Iranome, GME, 1kGP, etc.) identified. - PP2: sense-changing variant in a gene that has a low rate of benign sense-changing variants and in which sense-changing variants are a common disease mechanism. are. - PP3: Bioinformatics prediction programs classify this variant as pathogenic. The gene TUBA1A codes for tubulin alpha 1a, which is particularly expressed in the brain. The TUBA1A-associated tubulinopathy (lissencephaly) is an autosomal dominant and clinically very in which brain malformations, microcephaly, developmental delay, and epilepsy are the main clinical and epilepsy, mainly caused by new mutations in TUBA1A. The new mutation c.1264C>T:p.(Arg422Cys) has been described several times in patients with lissencephaly.

Kasturba Medical College, Manipal, Kasturba Medical College, Manipal, Manipal Academy of Higher Education, Manipal, India
Classification: Likely pathogenic for Lissencephaly due to TUBA1A mutation. Review status: criteria provided, single submitter. Criteria: ACMG Guidelines, 2015. Collection method: research. Allele origin: de novo. Inheritance: Autosomal dominant inheritance. Affected: yes. Observed: 1 heterozygote.
Comment: The variant is not present in homozygous and/or heterozygous state in gnomAD (v4.1.0) or in our in-house database of 3596 exomes. In-silico prediction tools (REVEL, CADD_phred) are consistent in predicting the variant to be damaging to the TUBA1A protein function.

OMIM
Classification: Pathogenic for CORTICAL DYSPLASIA, COMPLEX, WITH OTHER BRAIN MALFORMATIONS 16. Last evaluated: 2008-10-01. Review status: no assertion criteria provided. Collection method: literature only. Allele origin: germline. Not counted in ClinVar's aggregate classification.

Literature cited by the submitters: PubMed 18728072 (cited by 4 submitters); PubMed 20466733 (cited by Labcorp Genetics (formerly Invitae), Labcorp); PubMed 26350204 (cited by Labcorp Genetics (formerly Invitae), Labcorp); PubMed 29671837 (cited by Labcorp Genetics (formerly Invitae), Labcorp); PubMed 30744660 (cited by Institute of Human Genetics, FAU Erlangen, Friedrich-Alexander-Universität Erlangen-Nürnberg); DOI 10.1101/427948 (cited by Institute of Human Genetics, FAU Erlangen, Friedrich-Alexander-Universität Erlangen-Nürnberg); PubMed 18669490 (cited by Institute for Genomic Statistics and Bioinformatics, University Hospital Bonn).

NM_006009.4(TUBA1A):c.1264C>T (p.Arg422Cys)

Gene: TUBA1A (tubulin alpha 1a; minus strand). Cytogenetic location: 12q13.12.
Variant type: single nucleotide variant.
Coding change: c.1264C>T on transcript NM_006009.4 (MANE Select); coding-DNA position 1264, C replaced by T.
Protein change: p.Arg422Cys; replaces arginine 422 with cysteine.
Molecular consequence: missense variant.
Genome position (GRCh38, 1-based): chr12:49,185,102, G>A on the plus strand (C>T on the coding strand, the complement: TUBA1A is on the minus strand). VCF-style: chr12-49185102-G-A. GRCh37 (hg19) VCF-style: chr12-49578885-G-A.
Other names: c.1264C>T, p.Arg422Cys (NM_001270399.2); c.1159C>T, p.Arg387Cys (NM_001270400.2); short protein forms R422C, R387C.
Identifiers: ClinVar variation 7076 (VCV000007076.18), dbSNP rs137853049, ClinGen allele CA213164.